The following is an entry in ClinVar:

NM_006361.6(HOXB13):c.699G>A (p.Arg233=)

Gene: HOXB13 (homeobox B13; minus strand). Cytogenetic location: 17q21.32.
Variant type: single nucleotide variant.
Coding change: c.699G>A on transcript NM_006361.6 (MANE Select); coding-DNA position 699, G replaced by A.
Protein change: p.Arg233=; no amino-acid change (arginine 233 retained).
Molecular consequence: synonymous variant.
Genome position (GRCh38, 1-based): chr17:48,726,946, C>T on the plus strand (G>A on the coding strand, the complement: HOXB13 is on the minus strand). VCF-style: chr17-48726946-C-T. GRCh37 (hg19) VCF-style: chr17-46804308-C-T.
Identifiers: ClinVar variation 3773211 (VCV003773211.1).

ClinVar aggregate classification (germline): Benign (1 of 4 stars; one submission).

Conditions:
Prostate cancer, hereditary, 9 (HPC9). Identifiers: Orphanet 1331, MedGen C1970250, MONDO:0012597, OMIM 610997.

Submission:

Myriad Genetics, Inc.
Classification: Benign for Prostate cancer, hereditary, 9. Last evaluated: 2024-10-30. Review status: criteria provided, single submitter. Criteria: Myriad Autosomal Dominant, Autosomal Recessive and X-Linked Classification Criteria (2023). Collection method: clinical testing. Allele origin: unknown.
Comment: This variant is considered benign. This variant is a silent/synonymous amino acid change and it is not expected to impact splicing.